The following is an entry in ClinVar:

NM_006231.4(POLE):c.928A>G (p.Arg310Gly)

Gene: POLE (DNA polymerase epsilon, catalytic subunit; minus strand). Cytogenetic location: 12q24.33.
Variant type: single nucleotide variant.
Coding change: c.928A>G on transcript NM_006231.4 (MANE Select); coding-DNA position 928, A replaced by G.
Protein change: p.Arg310Gly; replaces arginine 310 with glycine.
Molecular consequence: missense variant.
Genome position (GRCh38, 1-based): chr12:132,676,186, T>C on the plus strand (A>G on the coding strand, the complement: POLE is on the minus strand). VCF-style: chr12-132676186-T-C. GRCh37 (hg19) VCF-style: chr12-133252772-T-C.
Other names: short protein forms R310G.
Identifiers: ClinVar variation 572158 (VCV000572158.11), dbSNP rs761451243, ClinGen allele CA6894136.

ClinVar aggregate classification (germline): Uncertain significance. Review status: criteria provided, multiple submitters, no conflicts (2 of 4 stars). 2 submissions from 2 submitters: Uncertain significance (2). Last evaluated 2025-04-29.

Conditions:
Hereditary cancer-predisposing syndrome. Also called: Hereditary neoplastic syndrome; Tumor predisposition; Neoplastic Syndromes, Hereditary; Hereditary Cancer Syndrome. Identifiers: Orphanet 140162, MedGen C0027672, MeSH D009386, MONDO:0015356.

Allele frequency attached by ClinVar (database versions not stated): gnomAD exomes below 0.00001 and 0.00001; ExAC 0.00001.

Submissions (2):

Labcorp Genetics (formerly Invitae), Labcorp
Classification: Uncertain significance. Last evaluated: 2025-04-29. Review status: criteria provided, single submitter. Criteria: Invitae Variant Classification Sherloc (09022015). Collection method: clinical testing. Allele origin: germline.
Comment: This sequence change replaces arginine, which is basic and polar, with glycine, which is neutral and non-polar, at codon 310 of the POLE protein (p.Arg310Gly). The frequency data for this variant in the population databases is considered unreliable, as metrics indicate poor data quality at this position in the gnomAD database. This variant has not been reported in the literature in individuals affected with POLE-related conditions. ClinVar contains an entry for this variant (Variation ID: 572158). Invitae Evidence Modeling of protein sequence and biophysical properties (such as structural, functional, and spatial information, amino acid conservation, physicochemical variation, residue mobility, and thermodynamic stability) indicates that this missense variant is expected to disrupt POLE protein function with a positive predictive value of 80%. In summary, the available evidence is currently insufficient to determine the role of this variant in disease. Therefore, it has been classified as a Variant of Uncertain Significance.

Ambry Genetics
Classification: Uncertain significance for Hereditary cancer-predisposing syndrome. Last evaluated: 2024-11-19. Review status: criteria provided, single submitter. Criteria: Ambry Variant Classification Scheme 2023. Collection method: clinical testing. Allele origin: germline.
Comment: The p.R310G variant (also known as c.928A>G), located in coding exon 10 of the POLE gene, results from an A to G substitution at nucleotide position 928. The arginine at codon 310 is replaced by glycine, an amino acid with dissimilar properties. This amino acid position is conserved. In addition, the in silico prediction for this alteration is inconclusive. Since supporting evidence is limited at this time, the clinical significance of this alteration remains unclear.